The following is an entry in ClinVar:

NM_001304366.2(SAMD7):c.824G>A (p.Trp275Ter)

Gene: SAMD7 (sterile alpha motif domain containing 7; plus strand). Cytogenetic location: 3q26.2.
Variant type: single nucleotide variant.
Coding change: c.824G>A on transcript NM_001304366.2 (MANE Select); coding-DNA position 824, G replaced by A.
Protein change: p.Trp275Ter; replaces tryptophan 275 with a stop codon.
Molecular consequence: nonsense. On other transcripts: non-coding transcript variant (1).
Genome position (GRCh38, 1-based): chr3:169,927,086, G>A. VCF-style: chr3-169927086-G-A. GRCh37 (hg19) VCF-style: chr3-169644874-G-A.
Other names: c.824G>A, p.Trp275Ter (NM_182610.4); short protein forms W275*.
Identifiers: ClinVar variation 4854004 (VCV004854004.1).

ClinVar aggregate classification (germline): Pathogenic (1 of 4 stars; one submission).

Conditions:
Macular dystrophy with or without cone dysfunction (MDCD). Identifiers: MedGen C5935594, MONDO:0958326, OMIM 620762.

gnomAD v4.1: 14 of 1,600,862 alleles (0.00087%); highest among the groups gnomAD compares: African/African-American, 0.0014%; no homozygotes.

Submission:

3billion
Classification: Pathogenic for Macular dystrophy with or without cone dysfunction. Last evaluated: 2025-09-28. Review status: criteria provided, single submitter. Criteria: ACMG Guidelines, 2015. Collection method: clinical testing. Allele origin: germline. Affected: yes.
Comment: The variant is observed at an extremely low frequency in the gnomAD v4.0.0 dataset (total allele frequency: <0.001%). Predicted Consequence/Location: Stop-gained (nonsense): predicted to result in a loss or disruption of normal protein function through nonsense-mediated decay (NMD) or protein truncation. Multiple pathogenic variants are reported downstream of the variant. Therefore, this variant is classified as Likely pathogenic according to the recommendation of ACMG/AMP guideline.